The following is an entry in ClinVar:

NM_138477.4(CDAN1):c.542T>G (p.Val181Gly)

Gene: CDAN1 (codanin 1; minus strand). Cytogenetic location: 15q15.2.
Variant type: single nucleotide variant.
Coding change: c.542T>G on transcript NM_138477.4 (MANE Select); coding-DNA position 542, T replaced by G.
Protein change: p.Val181Gly; replaces valine 181 with glycine.
Molecular consequence: missense variant.
Genome position (GRCh38, 1-based): chr15:42,736,329, A>C on the plus strand (T>G on the coding strand, the complement: CDAN1 is on the minus strand). VCF-style: chr15-42736329-A-C. GRCh37 (hg19) VCF-style: chr15-43028527-A-C.
Other names: short protein forms V181G.
Identifiers: ClinVar variation 2110005 (VCV002110005.4), dbSNP rs766609394, ClinGen allele CA392056622.

ClinVar aggregate classification (germline): Uncertain significance (1 of 4 stars; one submission).

Allele frequency attached by ClinVar (database versions not stated): TOPMed below 0.00001.

Submission:

Labcorp Genetics (formerly Invitae), Labcorp
Classification: Uncertain significance. Last evaluated: 2022-09-01. Review status: criteria provided, single submitter. Criteria: Invitae Variant Classification Sherloc (09022015). Collection method: clinical testing. Allele origin: germline.
Comment: This sequence change replaces valine, which is neutral and non-polar, with glycine, which is neutral and non-polar, at codon 181 of the CDAN1 protein (p.Val181Gly). In summary, the available evidence is currently insufficient to determine the role of this variant in disease. Therefore, it has been classified as a Variant of Uncertain Significance. Algorithms developed to predict the effect of missense changes on protein structure and function (SIFT, PolyPhen-2, Align-GVGD) all suggest that this variant is likely to be tolerated. This variant has not been reported in the literature in individuals affected with CDAN1-related conditions. This variant is not present in population databases (gnomAD no frequency).